The following is an entry in ClinVar:

NM_198525.3(KIF7):c.3021C>T (p.Ile1007=)

Gene: KIF7 (kinesin family member 7; minus strand). Cytogenetic location: 15q26.1.
Variant type: single nucleotide variant.
Coding change: c.3021C>T on transcript NM_198525.3 (MANE Select); coding-DNA position 3021, C replaced by T.
Protein change: p.Ile1007=; no amino-acid change (isoleucine 1007 retained).
Molecular consequence: synonymous variant.
Genome position (GRCh38, 1-based): chr15:89,631,585, G>A on the plus strand (C>T on the coding strand, the complement: KIF7 is on the minus strand). VCF-style: chr15-89631585-G-A. GRCh37 (hg19) VCF-style: chr15-90174816-G-A.
Identifiers: ClinVar variation 96654 (VCV000096654.41), dbSNP rs142488318, ClinGen allele CA020335.

ClinVar aggregate classification (germline): Conflicting classifications of pathogenicity. Review status: criteria provided, conflicting classifications (1 of 4 stars). 5 submissions from 5 submitters: Uncertain significance (1); Likely benign (3). 1 of the submissions does not count toward it. Last evaluated 2025-09-30.

Conditions:
KIF7-related disorder. Also called: KIF7-related condition.
Acrocallosal syndrome (ACLS). Also called: HALLUX DUPLICATION, POSTAXIAL POLYDACTYLY, AND ABSENCE OF CORPUS CALLOSUM; Schinzel syndrome 1; Absence of corpus callosum with unusual facial appearance, mental deficiency, duplication of the halluces and polydactyly. Identifiers: Orphanet 36, MedGen C0796147, MONDO:0008708, OMIM 200990.

Allele frequency attached by ClinVar (database versions not stated): gnomAD 0.00034 and 0.00032; ExAC 0.00010; ESP Exome Variant Server 0.00015; 1000 Genomes Project 30x 0.00016; 1000 Genomes Project 0.00020; TOPMed 0.00022.
gnomAD v4.1: 211 of 1,565,798 alleles (0.013%); highest among the groups gnomAD compares: Admixed American, 0.061%; no homozygotes.

Submissions (5):

Labcorp Genetics (formerly Invitae), Labcorp
Classification: Likely benign for Acrocallosal syndrome. Last evaluated: 2025-09-30. Review status: criteria provided, single submitter. Criteria: Invitae Variant Classification Sherloc (09022015). Collection method: clinical testing. Allele origin: germline.

Blueprint Genetics
Classification: Likely benign. Last evaluated: 2024-11-25. Review status: criteria provided, single submitter. Criteria: ACMG Guidelines, 2015. Collection method: clinical testing. Allele origin: germline.

CeGaT Center for Human Genetics Tuebingen
Classification: Likely benign. Last evaluated: 2023-02-01. Review status: criteria provided, single submitter. Criteria: CeGaT Center For Human Genetics Tuebingen Variant Classification Criteria Version 2. Collection method: clinical testing. Allele origin: germline. Affected: yes. Observed: 2 variant alleles.
Comment: KIF7: BP4, BP7

Eurofins Ntd Llc (ga)
Classification: Uncertain significance. Last evaluated: 2013-10-21. Review status: criteria provided, single submitter. Criteria: EGL Classification Definitions 2015. Collection method: clinical testing. Allele origin: germline. Observed: 1 variant allele, 1 heterozygote.

PreventionGenetics, part of Exact Sciences
Classification: Likely benign for KIF7-related condition. Last evaluated: 2019-08-29. Review status: no assertion criteria provided. Collection method: clinical testing. Allele origin: germline. Not counted in ClinVar's aggregate classification.
Comment: This variant is classified as likely benign based on ACMG/AMP sequence variant interpretation guidelines (Richards et al. 2015 PMID: 25741868, with internal and published modifications).